The following is an entry in ClinVar:

NM_000492.4(CFTR):c.3909C>A (p.Asn1303Lys)

Gene: CFTR (CF transmembrane conductance regulator; plus strand). Cytogenetic location: 7q31.2.
Variant type: single nucleotide variant.
Coding change: c.3909C>A on transcript NM_000492.4 (MANE Select); coding-DNA position 3909, C replaced by A.
Protein change: p.Asn1303Lys; replaces asparagine 1303 with lysine.
Molecular consequence: missense variant.
Genome position (GRCh38, 1-based): chr7:117,652,877, C>A. VCF-style: chr7-117652877-C-A. GRCh37 (hg19) VCF-style: chr7-117292931-C-A.
Other names: short protein forms N1303K.
Identifiers: ClinVar variation 4818550 (VCV004818550.1).

ClinVar aggregate classification (germline): Likely pathogenic (1 of 4 stars; one submission).

Conditions:
CFTR-related disorder (CFTR-RD). Also called: CFTR-related disorders; CFTR-related condition. Identifiers: MedGen C5924204, MONDO:7770004.

Submission:

Natera, Inc.
Classification: Likely pathogenic for CFTR-related disorders. Last evaluated: 2025-08-03. Review status: criteria provided, single submitter. Criteria: Natera Variant Classification Schema (03/2026). Collection method: clinical testing. Allele origin: germline.
Comment: The c.3909C>A variant in CFTR is a missense variant predicted to cause substitution of asparagine to lysine at amino acid 1303. This variant is rare in the general population with a frequency below the threshold expected for the associated phenotype(s). Another variant at this same site results in an alteration predicted to cause a similar molecular effect has been observed in individual(s) with the associated phenotype. A different variant at the same position has been determined to be Pathogenic or Likely Pathogenic. Computational prediction algorithms indicate this variant is likely to affect gene or protein function. Given the available evidence, this variant is classified as Likely Pathogenic.